The following is an entry in ClinVar:

NM_001042646.3(TRAK1):c.2629C>T (p.Pro877Ser)

Gene: TRAK1 (trafficking kinesin protein 1; plus strand). Cytogenetic location: 3p22.1.
Variant type: single nucleotide variant.
Coding change: c.2629C>T on transcript NM_001042646.3 (MANE Select); coding-DNA position 2629, C replaced by T.
Protein change: p.Pro877Ser; replaces proline 877 with serine.
Molecular consequence: missense variant. On other transcripts: 3 prime UTR variant (1), non-coding transcript variant (1).
Genome position (GRCh38, 1-based): chr3:42,223,504, C>T. VCF-style: chr3-42223504-C-T. GRCh37 (hg19) VCF-style: chr3-42264996-C-T.
Other names: c.2254C>T, p.Pro752Ser (NM_001349245.1); c.2566C>T, p.Pro856Ser (NM_001349246.2); c.*583C>T (NM_001349247.2); c.2344C>T, p.Pro782Ser (NM_001349248.1); c.2407C>T, p.Pro803Ser (NM_001349249.1); short protein forms P752S, P782S, P803S, P856S, P877S.
Identifiers: ClinVar variation 1482374 (VCV001482374.6), dbSNP rs748881731, ClinGen allele CA2333903.

ClinVar aggregate classification (germline): Uncertain significance (1 of 4 stars; one submission).

Allele frequency attached by ClinVar (database versions not stated): gnomAD exomes below 0.00001 and 0.00001; TOPMed 0.00001; ExAC 0.00003.
gnomAD v4.1: 3 of 1,613,548 alleles (0.00019%); highest among the groups gnomAD compares: Admixed American, 0.0017%; no homozygotes.

Submission:

Labcorp Genetics (formerly Invitae), Labcorp
Classification: Uncertain significance. Last evaluated: 2025-01-27. Review status: criteria provided, single submitter. Criteria: Invitae Variant Classification Sherloc (09022015). Collection method: clinical testing. Allele origin: germline.
Comment: This sequence change replaces proline, which is neutral and non-polar, with serine, which is neutral and polar, at codon 877 of the TRAK1 protein (p.Pro877Ser). This variant is present in population databases (rs748881731, gnomAD 0.006%). This variant has not been reported in the literature in individuals affected with TRAK1-related conditions. ClinVar contains an entry for this variant (Variation ID: 1482374). An algorithm developed to predict the effect of missense changes on protein structure and function (PolyPhen-2) suggests that this variant is likely to be tolerated. In summary, the available evidence is currently insufficient to determine the role of this variant in disease. Therefore, it has been classified as a Variant of Uncertain Significance.